The following is an entry in ClinVar:

NM_001022.4(RPS19):c.357-3C>A

Genes: MIR6797 (microRNA 6797; plus strand), RPS19 (ribosomal protein S19; plus strand), RPS19-CD79A (RPS19-CD79A readthrough; plus strand). Cytogenetic location: 19q13.2.
Variant type: single nucleotide variant.
Coding change: c.357-3C>A on transcript NM_001022.4 (MANE Select); 3 bases into the intron before coding-DNA position 357, C replaced by A.
Molecular consequence: intron variant. On other transcripts: non-coding transcript variant (1).
Genome position (GRCh38, 1-based): chr19:41,869,696, C>A. VCF-style: chr19-41869696-C-A. GRCh37 (hg19) VCF-style: chr19-42373766-C-A.
Other names: c.357-3C>A (NM_001321484.2, NM_001321483.2); c.370-3C>A (NM_001321485.2).
Identifiers: ClinVar variation 2716436 (VCV002716436.3), dbSNP rs1442016641, ClinGen allele CA633185079.

ClinVar aggregate classification (germline): Uncertain significance (1 of 4 stars; one submission).

Conditions:
Diamond-Blackfan anemia. Also called: Blackfan Diamond syndrome; Aregenerative anemia chronic congenital; Red cell aplasia, pure hereditary; Congenital hypoplastic anemia; Aase syndrome. Identifiers: Orphanet 124, MedGen C1260899, MeSH D029503, MONDO:0015253, HP:0004810.

Allele frequency attached by ClinVar (database versions not stated): gnomAD 0.00001; TOPMed 0.00001.
gnomAD v4.1: 1 of 1,613,908 alleles (0.000062%); highest among the groups gnomAD compares: Non-Finnish European, 0.000085%; no homozygotes.

Submission:

Labcorp Genetics (formerly Invitae), Labcorp
Classification: Uncertain significance for Diamond-Blackfan anemia. Last evaluated: 2023-04-05. Review status: criteria provided, single submitter. Criteria: Invitae Variant Classification Sherloc (09022015). Collection method: clinical testing. Allele origin: germline.
Comment: This sequence change falls in intron 4 of the RPS19 gene. It does not directly change the encoded amino acid sequence of the RPS19 protein. It affects a nucleotide within the consensus splice site. This variant is present in population databases (no rsID available, gnomAD 0.007%). This variant has not been reported in the literature in individuals affected with RPS19-related conditions. Variants that disrupt the consensus splice site are a relatively common cause of aberrant splicing (PMID: 17576681, 9536098). Algorithms developed to predict the effect of sequence changes on RNA splicing suggest that this variant is not likely to affect RNA splicing. In summary, the available evidence is currently insufficient to determine the role of this variant in disease. Therefore, it has been classified as a Variant of Uncertain Significance.

Literature cited by the submitters: PubMed 17576681; PubMed 9536098.